The following is an entry in ClinVar:

NM_000135.4(FANCA):c.2242del (p.Leu748fs)

Gene: FANCA (FA complementation group A; minus strand). Cytogenetic location: 16q24.3.
Variant type: Deletion.
Coding change: c.2242del on transcript NM_000135.4 (MANE Select); coding-DNA position 2242, one base deleted (C; older notation c.2242delC).
Protein change: p.Leu748fs; shifts the reading frame from leucine 748.
Molecular consequence: frameshift variant.
Genome position (GRCh38, 1-based): chr16:89,770,240, G deleted on the plus strand (C on the coding strand, the reverse complement: FANCA is on the minus strand); the first of 3 consecutive G bases (chr16:89,770,240-89,770,242); deleting any one gives the same sequence. VCF-style (leftmost placement, unchanged base first): chr16-89770239-AG-A. GRCh37 (hg19) VCF-style: chr16-89836647-AG-A.
Other names: c.2242del, p.Leu748fs (NM_001286167.3); short protein forms L748fs.
Identifiers: ClinVar variation 1076410 (VCV001076410.7), dbSNP rs2143336491, ClinGen allele CA2499223840.

ClinVar aggregate classification (germline): Pathogenic (1 of 4 stars; one submission).

Conditions:
Fanconi anemia (FA). Also called: Fanconi's anemia. Identifiers: Orphanet 84, MedGen C0015625, MeSH D005199, MONDO:0019391.

Submission:

Labcorp Genetics (formerly Invitae), Labcorp
Classification: Pathogenic for Fanconi anemia. Last evaluated: 2020-07-23. Review status: criteria provided, single submitter. Criteria: Invitae Variant Classification Sherloc (09022015). Collection method: clinical testing. Allele origin: germline.
Comment: This sequence change creates a premature translational stop signal (p.Leu748Serfs*3) in the FANCA gene. It is expected to result in an absent or disrupted protein product. This variant is not present in population databases (ExAC no frequency). This variant has not been reported in the literature in individuals with FANCA-related conditions. Loss-of-function variants in FANCA are known to be pathogenic (PMID: 19367192). For these reasons, this variant has been classified as Pathogenic.

Literature cited by the submitters: PubMed 19367192.